The following is an entry in ClinVar:

ClinVar aggregate classification (germline): Uncertain significance (1 of 4 stars; one submission).

Submission:

Labcorp Genetics (formerly Invitae), Labcorp
Classification: Uncertain significance. Last evaluated: 2021-06-15. Review status: criteria provided, single submitter. Criteria: Invitae Variant Classification Sherloc (09022015). Collection method: clinical testing. Allele origin: germline.
Comment: This sequence change replaces proline with leucine at codon 509 of the CSF2RB protein (p.Pro509Leu). The proline residue is weakly conserved and there is a moderate physicochemical difference between proline and leucine. This variant is not present in population databases (ExAC no frequency). This variant has not been reported in the literature in individuals with CSF2RB-related conditions. Algorithms developed to predict the effect of missense changes on protein structure and function output the following: SIFT: "Tolerated"; PolyPhen-2: "Benign"; Align-GVGD: "Class C0". The leucine amino acid residue is found in multiple mammalian species, suggesting that this missense change does not adversely affect protein function. These predictions have not been confirmed by published functional studies and their clinical significance is uncertain. In summary, the available evidence is currently insufficient to determine the role of this variant in disease. Therefore, it has been classified as a Variant of Uncertain Significance.

NM_000395.3(CSF2RB):c.1526C>T (p.Pro509Leu)

Gene: CSF2RB (colony stimulating factor 2 receptor subunit beta; plus strand). Cytogenetic location: 22q12.3.
Variant type: single nucleotide variant.
Coding change: c.1526C>T on transcript NM_000395.3 (MANE Select); coding-DNA position 1526, C replaced by T.
Protein change: p.Pro509Leu; replaces proline 509 with leucine.
Molecular consequence: missense variant.
Genome position (GRCh38, 1-based): chr22:36,936,610, C>T. VCF-style: chr22-36936610-C-T. GRCh37 (hg19) VCF-style: chr22-37332652-C-T.
Other names: short protein forms P509L.
Identifiers: ClinVar variation 1361259 (VCV001361259.8), dbSNP rs2145822722, ClinGen allele CA411409632.